The following is an entry in ClinVar:

NM_006218.4(PIK3CA):c.1597G>A (p.Ala533Thr)

Gene: PIK3CA (phosphatidylinositol-4,5-bisphosphate 3-kinase catalytic subunit alpha; plus strand). Cytogenetic location: 3q26.32.
Variant type: single nucleotide variant.
Coding change: c.1597G>A on transcript NM_006218.4 (MANE Select); coding-DNA position 1597, G replaced by A.
Protein change: p.Ala533Thr; replaces alanine 533 with threonine.
Molecular consequence: missense variant.
Genome position (GRCh38, 1-based): chr3:179,218,267, G>A. VCF-style: chr3-179218267-G-A. GRCh37 (hg19) VCF-style: chr3-178936055-G-A.
Other names: c.1597G>A (LRG_310t1); short protein forms A533T.
Identifiers: ClinVar variation 567019 (VCV000567019.9), dbSNP rs1560144842, ClinGen allele CA355264870.

ClinVar aggregate classification (germline): Uncertain significance (1 of 4 stars; one submission).

Conditions:
Cowden syndrome (CS). Also called: Cowden's disease; Cowden's syndrome; Cowden disease. Identifiers: Orphanet 201, MedGen C0018553, MONDO:0016063. Disease mechanism: gain of function.

Allele frequency attached by ClinVar (database versions not stated): gnomAD exomes below 0.00001.
gnomAD v4.1: 1 of 1,611,280 alleles (0.000062%); highest among the groups gnomAD compares: Non-Finnish European, 0.000085%; no homozygotes.

Submission:

Labcorp Genetics (formerly Invitae), Labcorp
Classification: Uncertain significance for Cowden syndrome. Last evaluated: 2018-01-21. Review status: criteria provided, single submitter. Criteria: Invitae Variant Classification Sherloc (09022015). Collection method: clinical testing. Allele origin: germline.
Comment: Algorithms developed to predict the effect of missense changes on protein structure and function (SIFT, PolyPhen-2, Align-GVGD) all suggest that this variant is likely to be tolerated, but these predictions have not been confirmed by published functional studies and their clinical significance is uncertain. This sequence change replaces alanine with threonine at codon 533 of the PIK3CA protein (p.Ala533Thr). The alanine residue is moderately conserved and there is a small physicochemical difference between alanine and threonine. This variant is not present in population databases (ExAC no frequency). This variant has not been reported in the literature in individuals with PIK3CA-related disease. In summary, the available evidence is currently insufficient to determine the role of this variant in disease. Therefore, it has been classified as a Variant of Uncertain Significance.